The following is an entry in ClinVar:

NM_005902.4(SMAD3):c.1221T>G (p.Leu407=)

Gene: SMAD3 (SMAD family member 3; plus strand). Cytogenetic location: 15q22.33.
Variant type: single nucleotide variant.
Coding change: c.1221T>G on transcript NM_005902.4 (MANE Select); coding-DNA position 1221, T replaced by G.
Protein change: p.Leu407=; no amino-acid change (leucine 407 retained).
Molecular consequence: synonymous variant.
Genome position (GRCh38, 1-based): chr15:67,190,479, T>G. VCF-style: chr15-67190479-T-G. GRCh37 (hg19) VCF-style: chr15-67482817-T-G.
Other names: c.906T>G, p.Leu302= (NM_001145102.2, NM_001407016.1); c.1089T>G, p.Leu363= (NM_001145103.2, NM_001407012.1); c.636T>G, p.Leu212= (NM_001145104.2, NM_001407017.1); c.1332T>G, p.Leu444= (NM_001407011.1); c.1083T>G, p.Leu361= (NM_001407013.1); c.1074T>G, p.Leu358= (NM_001407014.1); c.774T>G, p.Leu258= (NM_001407015.1).
Identifiers: ClinVar variation 1952356 (VCV001952356.5), dbSNP rs2505322960, ClinGen allele CA490919463.

ClinVar aggregate classification (germline): Uncertain significance (1 of 4 stars; one submission).

Conditions:
Familial thoracic aortic aneurysm and aortic dissection (TAAD). Also called: Thoracic aortic aneurysms and dissections. Identifiers: Orphanet 91387, MedGen C4707243, MONDO:0019625.

Submission:

Labcorp Genetics (formerly Invitae), Labcorp
Classification: Uncertain significance for Familial thoracic aortic aneurysm and aortic dissection. Last evaluated: 2022-09-30. Review status: criteria provided, single submitter. Criteria: Invitae Variant Classification Sherloc (09022015). Collection method: clinical testing. Allele origin: germline.
Comment: In summary, the available evidence is currently insufficient to determine the role of this variant in disease. Therefore, it has been classified as a Variant of Uncertain Significance. Algorithms developed to predict the effect of sequence changes on RNA splicing suggest that this variant may create or strengthen a splice site. This variant has not been reported in the literature in individuals affected with SMAD3-related conditions. This variant is not present in population databases (gnomAD no frequency). This sequence change affects codon 407 of the SMAD3 mRNA. It is a 'silent' change, meaning that it does not change the encoded amino acid sequence of the SMAD3 protein.